The following is an entry in ClinVar:

ClinVar aggregate classification (germline): Uncertain significance (1 of 4 stars; one submission).

Submission:

Labcorp Genetics (formerly Invitae), Labcorp
Classification: Uncertain significance. Last evaluated: 2024-07-22. Review status: criteria provided, single submitter. Criteria: Invitae Variant Classification Sherloc (09022015). Collection method: clinical testing. Allele origin: germline.
Comment: This sequence change replaces glycine, which is neutral and non-polar, with serine, which is neutral and polar, at codon 919 of the MSH3 protein (p.Gly919Ser). This variant is not present in population databases (gnomAD no frequency). This variant has not been reported in the literature in individuals affected with MSH3-related conditions. ClinVar contains an entry for this variant (Variation ID: 1718395). An algorithm developed to predict the effect of missense changes on protein structure and function (PolyPhen-2) suggests that this variant is likely to be disruptive. In summary, the available evidence is currently insufficient to determine the role of this variant in disease. Therefore, it has been classified as a Variant of Uncertain Significance.

NM_002439.5(MSH3):c.2755G>A (p.Gly919Ser)

Gene: MSH3 (mutS homolog 3; plus strand). Cytogenetic location: 5q14.1.
Variant type: single nucleotide variant.
Coding change: c.2755G>A on transcript NM_002439.5 (MANE Select); coding-DNA position 2755, G replaced by A.
Protein change: p.Gly919Ser; replaces glycine 919 with serine.
Molecular consequence: missense variant.
Genome position (GRCh38, 1-based): chr5:80,813,683, G>A. VCF-style: chr5-80813683-G-A. GRCh37 (hg19) VCF-style: chr5-80109502-G-A.
Other names: short protein forms G919S.
Identifiers: ClinVar variation 1718395 (VCV001718395.5), dbSNP rs2546797396, ClinGen allele CA360274008.